The following is an entry in ClinVar:

ClinVar aggregate classification (germline): Pathogenic (1 of 4 stars; one submission).

Submission:

Labcorp Genetics (formerly Invitae), Labcorp
Classification: Pathogenic. Last evaluated: 2022-08-21. Review status: criteria provided, single submitter. Criteria: Invitae Variant Classification Sherloc (09022015). Collection method: clinical testing. Allele origin: germline.
Comment: For these reasons, this variant has been classified as Pathogenic. This variant has not been reported in the literature in individuals affected with CACNA1F-related conditions. This variant is not present in population databases (gnomAD no frequency). This sequence change creates a premature translational stop signal (p.Gln1146*) in the CACNA1F gene. It is expected to result in an absent or disrupted protein product. Loss-of-function variants in CACNA1F are known to be pathogenic (PMID: 9662399, 11281458, 17525176, 22194652, 24124559, 26992781).

Literature cited by the submitters: PubMed 9662399; PubMed 11281458; PubMed 17525176; PubMed 22194652; PubMed 24124559; PubMed 26992781.

NM_001256789.3(CACNA1F):c.3403C>T (p.Gln1135Ter)

Gene: CACNA1F (calcium voltage-gated channel subunit alpha1 F; minus strand). Cytogenetic location: Xp11.23.
Variant type: single nucleotide variant.
Coding change: c.3403C>T on transcript NM_001256789.3 (MANE Select); coding-DNA position 3403, C replaced by T.
Protein change: p.Gln1135Ter; replaces glutamine 1135 with a stop codon.
Molecular consequence: nonsense.
Genome position (GRCh38, 1-based): chrX:49,215,377, G>A on the plus strand (C>T on the coding strand, the complement: CACNA1F is on the minus strand). VCF-style: chrX-49215377-G-A. GRCh37 (hg19) VCF-style: chrX-49071837-G-A.
Other names: c.3241C>T, p.Gln1081Ter (NM_001256790.3); c.3436C>T, p.Gln1146Ter (NM_005183.4); short protein forms Q1135*, Q1081*, Q1146*.
Identifiers: ClinVar variation 2022536 (VCV002022536.4), dbSNP rs2520871549, ClinGen allele CA412963463.